The following is an entry in ClinVar:

ClinVar aggregate classification (germline): Conflicting classifications of pathogenicity. Review status: criteria provided, conflicting classifications (1 of 4 stars). 2 submissions from 2 submitters: Uncertain significance (1); Likely benign (1). Last evaluated 2025-09-04.

Conditions:
Hereditary pancreatitis (PCTT). Also called: Hereditary chronic pancreatitis; PRSS1-Related Hereditary Pancreatitis. Identifiers: Orphanet 676, MedGen C0238339, MONDO:0008185, OMIM 167800.

Allele frequency attached by ClinVar (database versions not stated): gnomAD exomes below 0.00001; ExAC 0.00001; gnomAD 0.00001.
gnomAD v4.1: 2 of 1,613,992 alleles (0.00012%); highest among the groups gnomAD compares: Non-Finnish European, 0.00017%; no homozygotes.

Submissions (2):

Ambry Genetics
Classification: Likely benign for Hereditary pancreatitis. Last evaluated: 2025-09-04. Review status: criteria provided, single submitter. Criteria: Ambry Variant Classification Scheme 2023. Collection method: clinical testing. Allele origin: germline.

Labcorp Genetics (formerly Invitae), Labcorp
Classification: Uncertain significance for Hereditary pancreatitis. Last evaluated: 2022-05-06. Review status: criteria provided, single submitter. Criteria: Invitae Variant Classification Sherloc (09022015). Collection method: clinical testing. Allele origin: germline.
Comment: In summary, the available evidence is currently insufficient to determine the role of this variant in disease. Therefore, it has been classified as a Variant of Uncertain Significance. Algorithms developed to predict the effect of missense changes on protein structure and function output the following: SIFT: "Tolerated"; PolyPhen-2: "Benign"; Align-GVGD: "Class C0". The histidine amino acid residue is found in multiple mammalian species, which suggests that this missense change does not adversely affect protein function. This variant has not been reported in the literature in individuals affected with PRSS1-related conditions. The frequency data for this variant in the population databases is considered unreliable, as metrics indicate poor data quality at this position in the gnomAD database. This sequence change replaces asparagine, which is neutral and polar, with histidine, which is basic and polar, at codon 2 of the PRSS1 protein (p.Asn2His).

NM_002769.5(PRSS1):c.4A>C (p.Asn2His)

Genes: PRSS1 (serine protease 1; plus strand), TRB (T cell receptor beta locus; plus strand). Cytogenetic location: 7q34.
Variant type: single nucleotide variant.
Coding change: c.4A>C on transcript NM_002769.5 (MANE Select); coding-DNA position 4, A replaced by C.
Protein change: p.Asn2His; replaces asparagine 2 with histidine.
Molecular consequence: missense variant. On other transcripts: non-coding transcript variant (5).
Genome position (GRCh38, 1-based): chr7:142,749,488, A>C. VCF-style: chr7-142749488-A-C. GRCh37 (hg19) VCF-style: chr7-142457339-A-C.
Other names: c.4A>C (NM_002769.4); short protein forms N2H.
Identifiers: ClinVar variation 2188962 (VCV002188962.5), dbSNP rs762980620, ClinGen allele CA4529578.